The following is an entry in ClinVar:

ClinVar aggregate classification (germline): Uncertain significance (1 of 4 stars; one submission).

Allele frequency attached by ClinVar (database versions not stated): ExAC 0.00001; gnomAD 0.00001; TOPMed 0.00001; gnomAD exomes 0.00002; ESP Exome Variant Server 0.00008; 1000 Genomes Project 30x 0.00016; 1000 Genomes Project 0.00020.
gnomAD v4.1: 37 of 1,613,238 alleles (0.0023%); highest among the groups gnomAD compares: Non-Finnish European, 0.0028%; 1 homozygote.

Submission:

Labcorp Genetics (formerly Invitae), Labcorp
Classification: Uncertain significance. Last evaluated: 2025-06-27. Review status: criteria provided, single submitter. Criteria: Invitae Variant Classification Sherloc (09022015). Collection method: clinical testing. Allele origin: germline.
Comment: This sequence change replaces proline, which is neutral and non-polar, with leucine, which is neutral and non-polar, at codon 787 of the ADCY1 protein (p.Pro787Leu). This variant is present in population databases (rs377492564, gnomAD 0.006%). This variant has not been reported in the literature in individuals affected with ADCY1-related conditions. ClinVar contains an entry for this variant (Variation ID: 1947090). Invitae Evidence Modeling of protein sequence and biophysical properties (such as structural, functional, and spatial information, amino acid conservation, physicochemical variation, residue mobility, and thermodynamic stability) indicates that this missense variant is not expected to disrupt ADCY1 protein function with a negative predictive value of 80%. In summary, the available evidence is currently insufficient to determine the role of this variant in disease. Therefore, it has been classified as a Variant of Uncertain Significance.

NM_021116.4(ADCY1):c.2360C>T (p.Pro787Leu)

Gene: ADCY1 (adenylate cyclase 1; plus strand). Cytogenetic location: 7p12.3.
Variant type: single nucleotide variant.
Coding change: c.2360C>T on transcript NM_021116.4 (MANE Select); coding-DNA position 2360, C replaced by T.
Protein change: p.Pro787Leu; replaces proline 787 with leucine.
Molecular consequence: missense variant.
Genome position (GRCh38, 1-based): chr7:45,686,579, C>T. VCF-style: chr7-45686579-C-T. GRCh37 (hg19) VCF-style: chr7-45726178-C-T.
Other names: short protein forms P787L.
Identifiers: ClinVar variation 1947090 (VCV001947090.5), dbSNP rs377492564, ClinGen allele CA4249228.